The following is an entry in ClinVar:

ClinVar aggregate classification (germline): Likely benign (1 of 4 stars; one submission).

Submission:

CeGaT Center for Human Genetics Tuebingen
Classification: Likely benign. Last evaluated: 2026-06-01. Review status: criteria provided, single submitter. Criteria: CeGaT Center For Human Genetics Tuebingen Variant Classification Criteria Version 2. Collection method: clinical testing. Allele origin: germline. Affected: yes. Observed: 1 variant allele.
Comment: PRKG1: BS2

NM_001098512.3(PRKG1):c.-68GCC[14]

Gene: PRKG1 (protein kinase cGMP-dependent 1; plus strand). Cytogenetic location: 10q11.23.
Variant type: Microsatellite.
Coding change: c.-68GCC[14] on transcript NM_001098512.3; 14 copies in a row of the 3-base unit GCC starting at c.-68; the reference has 11 copies in a row; three copies, 9 bases duplicated.
Molecular consequence: 5 prime UTR variant.
Genome position (GRCh38, 1-based): chr10:50,991,335-50,991,343, GCCGCCGCC duplicated; duplicating any 9 consecutive bases within chr10:50,991,311-50,991,343 gives the same sequence; the position shown is the placement nearest the transcript's 3' end. VCF-style (leftmost placement, unchanged base first): chr10-50991310-A-AGCCGCCGCC. GRCh37 (hg19) VCF-style: chr10-52751070-A-AGCCGCCGCC.
Identifiers: ClinVar variation 4872168 (VCV004872168.2).